The following is an entry in ClinVar:

ClinVar aggregate classification (germline): Benign (1 of 4 stars; one submission).

Allele frequency attached by ClinVar (database versions not stated): TOPMed 0.91225; 1000 Genomes Project 30x 0.92083; gnomAD 0.92431; 1000 Genomes Project 0.92492; gnomAD exomes 0.95425.
gnomAD v4.1: 1,387,627 of 1,459,066 alleles (95%); highest among the groups gnomAD compares: East Asian, 100%; 660,741 homozygotes.

Submission:

Unidad de Genómica Garrahan, Hospital de Pediatría Garrahan
Classification: Benign. Last evaluated: 2024-01-24. Review status: criteria provided, single submitter. Criteria: ACMG Guidelines, 2015. Collection method: clinical testing. Allele origin: germline. Affected: no. Observed: 93 variant alleles.
Comment: This variant is classified as Benign based on local population frequency. This variant was detected in 98% of patients studied by a panel of primary immunodeficiencies. Number of patients: 93. Only high quality variants are reported.

NM_015274.3(MAN2B2):c.681-73A>G

Gene: MAN2B2 (mannosidase alpha class 2B member 2; plus strand). Cytogenetic location: 4p16.1.
Variant type: single nucleotide variant.
Coding change: c.681-73A>G on transcript NM_015274.3 (MANE Select); 73 bases into the intron before coding-DNA position 681, A replaced by G.
Molecular consequence: intron variant.
Genome position (GRCh38, 1-based): chr4:6,593,100, A>G. VCF-style: chr4-6593100-A-G. GRCh37 (hg19) VCF-style: chr4-6594827-A-G.
Other names: c.681-73A>G (NM_001292038.2).
Identifiers: ClinVar variation 2688273 (VCV002688273.2), dbSNP rs10937747, ClinGen allele CA11771134.
Genomic context (GRCh38, chr4:6,593,100, plus strand): 5'-GAGTGGGAGAATTCAGTCTCAGGGTGAAATGATGTGCCAAGGTCCCAAGGCTGGGAGAAC[A>G]TGGCACTTGGGTGTGAGCCCTGGCTGTCCACAGAGTTCGTGTCTTCTGCCCTAACCTTCT-3'